The following is an entry in ClinVar:

NM_015915.5(ATL1):c.46G>C (p.Glu16Gln)

Gene: ATL1 (atlastin GTPase 1; plus strand). Cytogenetic location: 14q22.1.
Variant type: single nucleotide variant.
Coding change: c.46G>C on transcript NM_015915.5 (MANE Select); coding-DNA position 46, G replaced by C.
Protein change: p.Glu16Gln; replaces glutamic acid 16 with glutamine.
Molecular consequence: missense variant.
Genome position (GRCh38, 1-based): chr14:50,587,842, G>C. VCF-style: chr14-50587842-G-C. GRCh37 (hg19) VCF-style: chr14-51054560-G-C.
Other names: c.46G>C, p.Glu16Gln (NM_001127713.1, NM_181598.4); short protein forms E16Q.
Identifiers: ClinVar variation 538578 (VCV000538578.11), dbSNP rs1223717112, ClinGen allele CA389665151.

ClinVar aggregate classification (germline): Uncertain significance. Review status: criteria provided, multiple submitters, no conflicts (2 of 4 stars). 2 submissions from 2 submitters: Uncertain significance (2). Last evaluated 2024-08-28.

Conditions:
Hereditary spastic paraplegia 3A (SPG3A). Also called: SPASTIC PARAPLEGIA 3, AUTOSOMAL DOMINANT; FAMILIAL SPASTIC PARAPLEGIA, AUTOSOMAL DOMINANT, 1; SPG3; STRUMPELL DISEASE; Spastic Paraplegia 3A; Spastic paraplegia 3A, autosomal dominant. Identifiers: Orphanet 100984, MedGen C2931355, MONDO:0008437, OMIM 182600.

Allele frequency attached by ClinVar (database versions not stated): gnomAD exomes below 0.00001; gnomAD 0.00001; TOPMed 0.00001.
gnomAD v4.1: 6 of 1,614,064 alleles (0.00037%); highest among the groups gnomAD compares: Non-Finnish European, 0.00051%; no homozygotes.

Submissions (2):

GeneDx
Classification: Uncertain significance. Last evaluated: 2024-08-28. Review status: criteria provided, single submitter. Criteria: GeneDx Variant Classification Process June 2021. Collection method: clinical testing. Allele origin: germline. Affected: yes.
Comment: Not observed at significant frequency in large population cohorts (gnomAD); In silico analysis supports that this missense variant has a deleterious effect on protein structure/function; Has not been previously published as pathogenic or benign to our knowledge; This variant is associated with the following publications: (PMID: 23334294)

Labcorp Genetics (formerly Invitae), Labcorp
Classification: Uncertain significance for Hereditary spastic paraplegia 3A. Last evaluated: 2020-02-14. Review status: criteria provided, single submitter. Criteria: Invitae Variant Classification Sherloc (09022015). Collection method: clinical testing. Allele origin: germline.
Comment: This sequence change replaces glutamic acid with glutamine at codon 16 of the ATL1 protein (p.Glu16Gln). The glutamic acid residue is moderately conserved and there is a small physicochemical difference between glutamic acid and glutamine. This variant is not present in population databases (ExAC no frequency). This variant has not been reported in the literature in individuals with ATL1-related disease. Algorithms developed to predict the effect of missense changes on protein structure and function (SIFT, PolyPhen-2, Align-GVGD) all suggest that this variant is likely to be tolerated, but these predictions have not been confirmed by published functional studies and their clinical significance is uncertain. In summary, the available evidence is currently insufficient to determine the role of this variant in disease. Therefore, it has been classified as a Variant of Uncertain Significance.